The following is an entry in ClinVar:

NM_001012426.2(FOXP4):c.53_83del (p.Asn18fs)

Gene: FOXP4 (forkhead box P4; plus strand). Cytogenetic location: 6p21.1.
Variant type: Deletion.
Coding change: c.53_83del on transcript NM_001012426.2 (MANE Select); coding-DNA positions 53 to 83, 31 bases deleted.
Protein change: p.Asn18fs; shifts the reading frame from asparagine 18.
Molecular consequence: frameshift variant.
Genome position (GRCh38, 1-based): chr6:41,565,813-41,565,843, 31 bases deleted; deleting any 31 consecutive bases within chr6:41,565,811-41,565,843 gives the same sequence; the c. name uses the placement nearest the transcript's 3' end. GRCh37 (hg19): chr6:41,533,551-41,533,581.
Other names: c.53_83del, p.Asn18fs (NM_001012427.2, NM_001405824.1, NM_001405825.1 and 2 more transcripts); short protein forms N18fs.
Identifiers: ClinVar variation 4819018 (VCV004819018.1).

ClinVar aggregate classification (germline): Uncertain significance (1 of 4 stars; one submission).

Conditions:
Neurodevelopmental disorder. Identifiers: MedGen C1535926, MeSH D065886, MONDO:0700092.

Submission:

Victorian Clinical Genetics Services, Murdoch Childrens Research Institute
Classification: Uncertain significance for Neurodevelopmental disorder. Last evaluated: 2026-01-15. Review status: criteria provided, single submitter. Criteria: ACMG Guidelines, 2015. Collection method: clinical testing. Allele origin: germline. Affected: yes.
Comment: This variant is classified as VUS-3B. Evidence in support of pathogenic classification: Variant is predicted to cause nonsense-mediated decay (NMD) and loss of protein (premature termination codon is located at least 54 nucleotides upstream of the final exon-exon junction); Variant is absent from gnomAD (v2, v3 and v4). Additional information: This variant is heterozygous; This gene is associated with autosomal dominant disease; Alternative NMD-predicted variants are present in gnomAD (highest allele count: v4: 13 heterozygote(s), 0 homozygote(s)); This variant has no previous evidence of pathogenicity; No published evidence of segregation with disease has been identified for this variant; No published functional evidence has been identified for this variant; Other NMD-predicted variant(s) comparable to the one identified in this case have conflicting previous evidence for pathogenicity. NMD-predicted variants have been classified as VUS by clinical laboratories in ClinVar. p.(Gln65Serfs*20) has been reported in the literature in a heterozygous individual with short stature, motor and speech delay, hypotonia congenital diaphragmatic hernia and cryptorchidism; unknown inheritance (PMID: 33110267). p.(Leu272Profs*95) has been reported in a homozygous individual with developmental delay, laryngeal hypoplasia and ventricular septal defect; the individual's heterozygous parents were unaffected (PMID: 27435318); The mechanism of disease for this gene is not clearly established. Functional studies on missense variants support a loss of function mechanism; however, dominant negative has not been excluded as a mechanism (PMID: 33110267).

Literature cited by the submitters: PubMed 27435318; PubMed 33110267.